The following is an entry in ClinVar:

NM_000038.6(APC):c.1477del (p.Tyr493fs)

Gene: APC (APC regulator of Wnt signaling pathway; plus strand). Cytogenetic location: 5q22.2.
Variant type: Deletion.
Coding change: c.1477del on transcript NM_000038.6 (MANE Select); coding-DNA position 1477, one base deleted (T; older notation c.1477delT).
Protein change: p.Tyr493fs; shifts the reading frame from tyrosine 493.
Molecular consequence: frameshift variant.
Genome position (GRCh38, 1-based): chr5:112,827,176, T deleted. VCF-style (leftmost placement, unchanged base first): chr5-112827175-CT-C. GRCh37 (hg19) VCF-style: chr5-112162872-CT-C.
Other names: c.1477del, p.Tyr493fs (NM_001127510.3, NM_001354895.2); c.1423del, p.Tyr475fs (NM_001127511.3); c.1531del, p.Tyr511fs (NM_001354896.2); c.1507del, p.Tyr503fs (NM_001354897.2); c.1402del, p.Tyr468fs (NM_001354898.2); c.1393del, p.Tyr465fs (NM_001354899.2); c.1354del, p.Tyr452fs (NM_001354900.2); c.1300del, p.Tyr434fs (NM_001354901.2); and 5 more; short protein forms Y392fs, Y434fs, Y452fs, Y465fs, Y511fs, Y475fs, Y493fs, Y503fs.
Identifiers: ClinVar variation 954710 (VCV000954710.9), dbSNP rs1763776129, ClinGen allele CA1139658997.
Genomic context (GRCh38, chr5:112,827,175, plus strand): 5'-ACAGGCCATTGCAGAATTATTGCAAGTGGACTGTGAAATGTATGGGCTTACTAATGACCA[CT>C]ACAGTATTACACTAAGACGATATGCTGGAATGGCTTTGACAAACTTGACTTTTGGAGATG-3'

ClinVar aggregate classification (germline): Pathogenic (1 of 4 stars; one submission).

Conditions:
Familial adenomatous polyposis 1 (FAP1). Also called: FAMILIAL ADENOMATOUS POLYPOSIS 1, ATTENUATED; POLYPOSIS, ADENOMATOUS INTESTINAL. Identifiers: MedGen C2713442, MONDO:0021056, OMIM 175100. Disease mechanism: loss of function.

Submission:

Labcorp Genetics (formerly Invitae), Labcorp
Classification: Pathogenic for Familial adenomatous polyposis 1. Last evaluated: 2020-03-09. Review status: criteria provided, single submitter. Criteria: Invitae Variant Classification Sherloc (09022015). Collection method: clinical testing. Allele origin: germline.
Comment: This sequence change creates a premature translational stop signal (p.Tyr493Thrfs*5) in the APC gene. It is expected to result in an absent or disrupted protein product. This variant is not present in population databases (ExAC no frequency). This variant has not been reported in the literature in individuals with APC-related conditions. Loss-of-function variants in APC are known to be pathogenic (PMID: 17963004, 20685668). For these reasons, this variant has been classified as Pathogenic.

Literature cited by the submitters: PubMed 17963004; PubMed 20685668.